The following is an entry in ClinVar:

NM_006258.4(PRKG1):c.1528C>T (p.Arg510Ter)

Gene: PRKG1 (protein kinase cGMP-dependent 1; plus strand). Cytogenetic location: 10q21.1.
Variant type: single nucleotide variant.
Coding change: c.1528C>T on transcript NM_006258.4 (MANE Select); coding-DNA position 1528, C replaced by T.
Protein change: p.Arg510Ter; replaces arginine 510 with a stop codon.
Molecular consequence: nonsense.
Genome position (GRCh38, 1-based): chr10:52,280,913, C>T. VCF-style: chr10-52280913-C-T. GRCh37 (hg19) VCF-style: chr10-54040673-C-T.
Other names: c.1528C>T (NM_006258.3); c.1483C>T, p.Arg495Ter (NM_001098512.3); c.319C>T, p.Arg107Ter (NM_001374781.1); short protein forms R495*, R510*, R107*.
Identifiers: ClinVar variation 1372890 (VCV001372890.7), dbSNP rs1564544146, ClinGen allele CA376535109.

ClinVar aggregate classification (germline): Uncertain significance. Review status: criteria provided, multiple submitters, no conflicts (2 of 4 stars). 2 submissions from 2 submitters: Uncertain significance (2). Last evaluated 2025-07-03.

Conditions:
Aortic aneurysm, familial thoracic 8 (AAT8). Identifiers: MedGen C3809513, MONDO:0014187, OMIM 615436.
Familial thoracic aortic aneurysm and aortic dissection (TAAD). Also called: Thoracic aortic aneurysms and dissections. Identifiers: Orphanet 91387, MedGen C4707243, MONDO:0019625.

Allele frequency attached by ClinVar (database versions not stated): gnomAD exomes 0.00001.
gnomAD v4.1: 5 of 1,613,162 alleles (0.00031%); highest among the groups gnomAD compares: Non-Finnish European, 0.00042%; no homozygotes.

Submissions (2):

Ambry Genetics
Classification: Uncertain significance for Familial thoracic aortic aneurysm and aortic dissection. Last evaluated: 2025-07-03. Review status: criteria provided, single submitter. Criteria: Ambry Variant Classification Scheme 2023. Collection method: clinical testing. Allele origin: germline.
Comment: The p.R510* variant (also known as c.1528C>T), located in coding exon 13 of the PRKG1 gene, results from a C to T substitution at nucleotide position 1528. This changes the amino acid from an arginine to a stop codon within coding exon 13. This alteration is expected to result in protein truncation or nonsense-mediated mRNA decay. However, loss of function of PRKG1 has not been established as a mechanism of disease. Based on the available evidence, the clinical significance of this alteration remains unclear.

Labcorp Genetics (formerly Invitae), Labcorp
Classification: Uncertain significance for Aortic aneurysm, familial thoracic 8. Last evaluated: 2022-11-08. Review status: criteria provided, single submitter. Criteria: Invitae Variant Classification Sherloc (09022015). Collection method: clinical testing. Allele origin: germline.
Comment: ClinVar contains an entry for this variant (Variation ID: 1372890). In summary, the available evidence is currently insufficient to determine the role of this variant in disease. Therefore, it has been classified as a Variant of Uncertain Significance. This variant has not been reported in the literature in individuals affected with PRKG1-related conditions. This variant is not present in population databases (gnomAD no frequency). This sequence change creates a premature translational stop signal (p.Arg510*) in the PRKG1 gene. It is expected to result in an absent or disrupted protein product. However, the current clinical and genetic evidence is not sufficient to establish whether loss-of-function variants in PRKG1 cause disease.